The following is an entry in ClinVar:

ClinVar aggregate classification (germline): Conflicting classifications of pathogenicity. Review status: criteria provided, conflicting classifications (1 of 4 stars). 11 submissions from 10 submitters: Uncertain significance (4); Benign (3); Likely benign (3). 1 of the submissions does not count toward it. Last evaluated 2026-10-01.

Conditions:
Hyperparathyroidism. Identifiers: MedGen C0020502, MONDO:0001741, HP:0000843.
Hereditary cancer-predisposing syndrome. Also called: Tumor predisposition; Hereditary neoplastic syndrome; Neoplastic Syndromes, Hereditary; Hereditary Cancer Syndrome. Identifiers: Orphanet 140162, MedGen C0027672, MeSH D009386, MONDO:0015356.
MEN1-related disorder. Also called: MEN1-related condition.
Multiple endocrine neoplasia, type 1 (MEN1). Also called: MEN I; WERMER SYNDROME; Endocrine adenomatosis multiple; MEN 1; MEA I. Identifiers: Orphanet 652, MedGen C0025267, MeSH D018761, MONDO:0007540, OMIM 131100.

Allele frequency attached by ClinVar (database versions not stated): gnomAD 0.00010 and 0.00011; TOPMed 0.00012; gnomAD exomes 0.00001 and 0.00003; ExAC 0.00004; ESP Exome Variant Server 0.00039.
gnomAD v4.1: 35 of 1,605,554 alleles (0.0022%); highest among the groups gnomAD compares: African/African-American, 0.027%; no homozygotes.

Submissions (11):

St. Jude Molecular Pathology, St. Jude Children's Research Hospital
Classification: Uncertain significance for Multiple endocrine neoplasia, type 1. Last evaluated: 2026-10-01. Review status: criteria provided, single submitter. Criteria: St. Jude Assertion Criteria 2020. Collection method: clinical testing. Allele origin: germline.
Comment: The MEN1 c.1535C>T p.(Ser512Leu) missense change has a maximum subpopulation frequency of 0.04% in gnomAD v2.1.1. The in silico tool REVEL is inconclusive about a pathogenic or benign effect of this vari ant on protein function, and to our knowledge functional studies have not been performed. To our knowledge, this variant has not been reported in individuals with MEN1-associated tumors. In summary, the evidence currently available is insufficient to det ermine the clinical significance of this variant. It has therefore been classified as of uncertain significance.

PreventionGenetics, part of Exact Sciences
Classification: Likely benign for MEN1-related condition. Last evaluated: 2026-07-06. Review status: criteria provided, single submitter. Criteria: ACMG Guidelines, 2015. Collection method: clinical testing. Allele origin: germline.
Comment: This variant is classified as likely benign based on ACMG/AMP sequence variant interpretation guidelines (Richards et al. 2015 PMID: 25741868, with internal and published modifications).

Labcorp Genetics (formerly Invitae), Labcorp
Classification: Benign for Multiple endocrine neoplasia, type 1. Last evaluated: 2026-01-27. Review status: criteria provided, single submitter. Criteria: Invitae Variant Classification Sherloc (09022015). Collection method: clinical testing. Allele origin: germline.

GeneDx
Classification: Uncertain significance. Last evaluated: 2024-10-22. Review status: criteria provided, single submitter. Criteria: GeneDx Variant Classification Process June 2021. Collection method: clinical testing. Allele origin: germline. Affected: yes.
Comment: In silico analysis indicates that this missense variant does not alter protein structure/function; Has not been previously published as pathogenic or benign to our knowledge

Myriad Genetics, Inc.
Classification: Likely benign for Multiple endocrine neoplasia, type 1. Last evaluated: 2024-08-09. Review status: criteria provided, single submitter. Criteria: Myriad Autosomal Dominant, Autosomal Recessive and X-Linked Classification Criteria (2023). Collection method: clinical testing. Allele origin: unknown.
Comment: This variant is considered likely benign. This variant has been observed at a population frequency that is significantly greater than expected given the associated disease prevalence and penetrance.

Color Diagnostics, LLC DBA Color Health
Classification: Likely benign for Multiple endocrine neoplasia, type 1. Last evaluated: 2023-02-13. Review status: criteria provided, single submitter. Criteria: ACMG Guidelines, 2015. Collection method: clinical testing. Allele origin: germline.

Ambry Genetics
Classification: Benign for Hereditary cancer-predisposing syndrome. Last evaluated: 2022-07-18. Review status: criteria provided, single submitter. Criteria: Ambry Variant Classification Scheme 2023. Collection method: clinical testing. Allele origin: germline.

Genetic Services Laboratory, University of Chicago
Classification: Uncertain significance. Last evaluated: 2019-08-27. Review status: criteria provided, single submitter. Criteria: ACMG Guidelines, 2015. Collection method: clinical testing. Allele origin: germline. Affected: no.

Illumina Laboratory Services, Illumina
Classification: Benign for Multiple endocrine neoplasia, type 1. Last evaluated: 2018-01-13. Review status: criteria provided, single submitter. Criteria: ICSL Variant Classification Criteria 13 December 2019. Collection method: clinical testing. Allele origin: germline.
Comment: This variant was observed in the ICSL laboratory as part of a predisposition screen in an ostensibly healthy population. It had not been previously curated by ICSL or reported in the Human Gene Mutation Database (HGMD: prior to June 1st, 2018), and was therefore a candidate for classification through an automated scoring system. Utilizing variant allele frequency, disease prevalence and penetrance estimates, and inheritance mode, an automated score was calculated to assess if this variant is too frequent to cause the disease. Based on the score and internal cut-off values, a variant classified as benign is not then subjected to further curation. The score for this variant resulted in a classification of benign for this disease.

Illumina Laboratory Services, Illumina
Classification: Uncertain significance for Hyperparathyroidism. Last evaluated: 2018-01-13. Review status: criteria provided, single submitter. Criteria: ICSL Variant Classification Criteria 13 December 2019. Collection method: clinical testing. Allele origin: germline.

Counsyl
Classification: Uncertain significance for Multiple endocrine neoplasia, type 1. Last evaluated: 2015-12-04. Review status: no assertion criteria provided. Collection method: clinical testing. Allele origin: unknown. Not counted in ClinVar's aggregate classification.

Literature cited by the submitters: PubMed 26767918 (cited by Ambry Genetics); PubMed 30093976 (cited by Ambry Genetics).

NM_001370259.2(MEN1):c.1535C>T (p.Ser512Leu)

Gene: MEN1 (menin 1; minus strand). Cytogenetic location: 11q13.1.
Variant type: single nucleotide variant.
Coding change: c.1535C>T on transcript NM_001370259.2 (MANE Select); coding-DNA position 1535, C replaced by T.
Protein change: p.Ser512Leu; replaces serine 512 with leucine.
Molecular consequence: missense variant.
Genome position (GRCh38, 1-based): chr11:64,804,632, G>A on the plus strand (C>T on the coding strand, the complement: MEN1 is on the minus strand). VCF-style: chr11-64804632-G-A. GRCh37 (hg19) VCF-style: chr11-64572104-G-A.
Other names: c.1430C>T, p.Ser477Leu (NM_001370263.2, NM_001370262.2); c.1535C>T, p.Ser512Leu (NM_130799.3, NM_001370260.2, NM_001370261.2); c.1550C>T, p.Ser517Leu (NM_130800.3, NM_130801.3, NM_130802.3 and 3 more transcripts); c.1550C>T (NM_000244.3); c.1661C>T, p.Ser554Leu (NM_001370251.2); short protein forms S512L, S517L, S477L, S554L.
Identifiers: ClinVar variation 188265 (VCV000188265.35), dbSNP rs141679530, ClinGen allele CA009193.